The following is an entry in ClinVar:

NM_001170535.3(ATAD3A):c.106G>C (p.Gly36Arg)

Gene: ATAD3A (ATPase family AAA domain containing 3A; plus strand). Cytogenetic location: 1p36.33.
Variant type: single nucleotide variant.
Coding change: c.106G>C on transcript NM_001170535.3 (MANE Select); coding-DNA position 106, G replaced by C.
Protein change: p.Gly36Arg; replaces glycine 36 with arginine.
Molecular consequence: missense variant.
Genome position (GRCh38, 1-based): chr1:1,512,374, G>C. VCF-style: chr1-1512374-G-C. GRCh37 (hg19) VCF-style: chr1-1447754-G-C.
Other names: c.106G>C, p.Gly36Arg (NM_018188.5); short protein forms G36R.
Identifiers: ClinVar variation 2505867 (VCV002505867.1), dbSNP rs1641222855, ClinGen allele CA337846035.
Genomic context (GRCh38, chr1:1,512,374, plus strand): 5'-GCGGGGCCGCCGCCGCCTTTGCCGCCCGCGCAGCCCGGGGCCGAGGGCGGCGGGGACCGC[G>C]GGTTGGGAGACCGGCCGGCGCCCAAGGACAAATGGAGCAACTTCGACCCCACCGGCCTGG-3'
Protein context (NP_001164006.1, residues 26-46): QPGAEGGGDR[Gly36Arg]LGDRPAPKDK

ClinVar aggregate classification (germline): Uncertain significance (1 of 4 stars; one submission).

Submission:

GeneDx
Classification: Uncertain significance. Last evaluated: 2022-12-16. Review status: criteria provided, single submitter. Criteria: GeneDx Variant Classification Process June 2021. Collection method: clinical testing. Allele origin: germline. Affected: yes.
Comment: Not observed at significant frequency in large population cohorts (gnomAD); In silico analysis supports that this missense variant does not alter protein structure/function; Has not been previously published as pathogenic or benign to our knowledge